The following is an entry in ClinVar:

NM_000274.4(OAT):c.321dup (p.Leu108fs)

Gene: OAT (ornithine aminotransferase; minus strand). Cytogenetic location: 10q26.13.
Variant type: Duplication.
Coding change: c.321dup on transcript NM_000274.4 (MANE Select); coding-DNA position 321, one base duplicated (A; older notation c.321dupA).
Protein change: p.Leu108fs; shifts the reading frame from leucine 108.
Molecular consequence: frameshift variant. On other transcripts: 5 prime UTR variant (2), intron variant (1).
Genome position (GRCh38, 1-based): chr10:124,408,844, T duplicated on the plus strand (A on the coding strand, the reverse complement: OAT is on the minus strand); the first of 3 consecutive T bases (chr10:124,408,844-124,408,846); duplicating any one gives the same sequence. VCF-style (leftmost placement, unchanged base first): chr10-124408843-A-AT. GRCh37 (hg19) VCF-style: chr10-126097412-A-AT.
Other names: c.-94dup (NM_001171814.2); c.321dup, p.Leu108fs (NM_001322965.2, NM_001322966.2, NM_001322967.2 and 3 more transcripts); c.-394dup (NM_001322974.2); c.199+3129dup (NM_001322971.2); short protein forms L108fs.
Identifiers: ClinVar variation 5007650 (VCV005007650.2).

ClinVar aggregate classification (germline): Likely pathogenic (1 of 4 stars; one submission).

Conditions:
Ornithine aminotransferase deficiency (GACR). Also called: HYPERORNITHINEMIA WITH GYRATE ATROPHY OF CHOROID AND RETINA; OAT DEFICIENCY; Ornithine ketoacid aminotransferase deficiency; Gyrate atrophy; Gyrate atrophy of choroid and retina; Girate atrophy of the retina. Identifiers: Orphanet 414, MedGen C0018425, MONDO:0009796, OMIM 258870.

Submission:

Juno Genomics, Hangzhou Juno Genomics, Inc
Classification: Likely pathogenic for Ornithine aminotransferase deficiency. Review status: criteria provided, single submitter. Criteria: ACMG Guidelines, 2015. Collection method: clinical testing. Allele origin: germline.
Comment: Null variant in a gene where loss of function (LOF) is a known mechanism of disease.;Absent from controls (or at extremely low frequency if recessive) in Genome Aggregation Database.